The following is an entry in ClinVar:

ClinVar aggregate classification (germline): Uncertain significance (1 of 4 stars; one submission).

Conditions:
Familial adenomatous polyposis 1 (FAP1). Also called: FAMILIAL ADENOMATOUS POLYPOSIS 1, ATTENUATED; POLYPOSIS, ADENOMATOUS INTESTINAL. Identifiers: MedGen C2713442, MONDO:0021056, OMIM 175100. Disease mechanism: loss of function.

Submission:

Labcorp Genetics (formerly Invitae), Labcorp
Classification: Uncertain significance for Familial adenomatous polyposis 1. Last evaluated: 2023-05-18. Review status: criteria provided, single submitter. Criteria: Invitae Variant Classification Sherloc (09022015). Collection method: clinical testing. Allele origin: germline.
Comment: This variant occurs in a non-coding region of the APC gene. It does not change the encoded amino acid sequence of the APC protein. This variant is not present in population databases (gnomAD no frequency). This variant has not been reported in the literature in individuals affected with APC-related conditions. In summary, the available evidence is currently insufficient to determine the role of this variant in disease. Therefore, it has been classified as a Variant of Uncertain Significance. Experimental studies and prediction algorithms are not available or were not evaluated, and the functional significance of this variant is currently unknown.

NC_000005.10:g.112707449G>C

Gene: APC (APC regulator of Wnt signaling pathway; plus strand). Cytogenetic location: 5q22.2.
Variant type: single nucleotide variant.
Genome position: GRCh38 VCF-style: chr5-112707449-G-C. GRCh37 (hg19) VCF-style: chr5-112043146-G-C.
Identifiers: ClinVar variation 2159865 (VCV002159865.5), dbSNP rs1031191403, ClinGen allele CA1573442313.